The following is an entry in ClinVar:

NM_000212.3(ITGB3):c.694G>T (p.Glu232Ter)

Gene: ITGB3 (integrin subunit beta 3; plus strand). Cytogenetic location: 17q21.32.
Variant type: single nucleotide variant.
Coding change: c.694G>T on transcript NM_000212.3 (MANE Select); coding-DNA position 694, G replaced by T.
Protein change: p.Glu232Ter; replaces glutamic acid 232 with a stop codon.
Molecular consequence: nonsense.
Genome position (GRCh38, 1-based): chr17:47,286,339, G>T. VCF-style: chr17-47286339-G-T. GRCh37 (hg19) VCF-style: chr17-45363705-G-T.
Other names: short protein forms E232*.
Identifiers: ClinVar variation 2700805 (VCV002700805.3), dbSNP rs2547616812, ClinGen allele CA400023530.

ClinVar aggregate classification (germline): Pathogenic (1 of 4 stars; one submission).

Submission:

Labcorp Genetics (formerly Invitae), Labcorp
Classification: Pathogenic. Last evaluated: 2023-12-04. Review status: criteria provided, single submitter. Criteria: Invitae Variant Classification Sherloc (09022015). Collection method: clinical testing. Allele origin: germline.
Comment: This sequence change creates a premature translational stop signal (p.Glu232*) in the ITGB3 gene. It is expected to result in an absent or disrupted protein product. Loss-of-function variants in ITGB3 are known to be pathogenic (PMID: 21917754). This variant is not present in population databases (gnomAD no frequency). This variant has not been reported in the literature in individuals affected with ITGB3-related conditions. Algorithms developed to predict the effect of sequence changes on RNA splicing suggest that this variant may create or strengthen a splice site. For these reasons, this variant has been classified as Pathogenic.

Literature cited by the submitters: PubMed 21917754.